The following is an entry in ClinVar:

ClinVar aggregate classification (germline): Pathogenic/Likely pathogenic. Review status: criteria provided, multiple submitters, no conflicts (2 of 4 stars). 7 submissions from 7 submitters: Pathogenic (6); Likely pathogenic (1). Last evaluated 2025-04-12.

Conditions:
Cardiovascular phenotype. Identifiers: MedGen CN230736.
Hereditary cancer-predisposing syndrome. Also called: Neoplastic Syndromes, Hereditary; Hereditary Cancer Syndrome; Tumor predisposition; Hereditary neoplastic syndrome. Identifiers: Orphanet 140162, MedGen C0027672, MeSH D009386, MONDO:0015356.
Juvenile myelomonocytic leukemia (JMML). Also called: LEUKEMIA, JUVENILE MYELOMONOCYTIC, SOMATIC. Identifiers: Orphanet 86834, MedGen C0349639, MONDO:0011908, OMIM 607785, HP:0012209.
Neurofibromatosis, type 1 (NF1). Also called: Neurofibromatosis, type I; Peripheral type neurofibromatosis; VON RECKLINGHAUSEN DISEASE; NEUROFIBROMATOSIS, TYPE I, SOMATIC. Identifiers: Orphanet 636, MedGen C0027831, MONDO:0018975, OMIM 162200. Disease mechanism: loss of function.

Submissions (7):

Variantyx, Inc.
Classification: Pathogenic for Neurofibromatosis, type 1. Last evaluated: 2025-04-12. Review status: criteria provided, single submitter. Criteria: Variantyx Assertion Criteria 2022. Collection method: clinical testing. Allele origin: germline. Inheritance: Autosomal dominant inheritance. Affected: yes.
Comment: This is a canonical splicing variant in the NF1 gene (OMIM: 613113). Pathogenic variants in this gene have been associated with autosomal dominant neurofibromatosis type 1. This splicing variant is expected to result in loss of function, which is a known disease mechanism for NF1 in this disorder (PMID: 34427956, 10712197, 23913538, 38226287, 21354044) (PVS1). This variant has been reported in at least three unrelated affected individuals (PMID: 21354044, 31617914, 29957862 ) (PS4_Moderate)., while it is absent from control populations (PM2). Based on the current evidence, this variant is classified as pathogenic for autosomal dominant neurofibromatosis type 1.

GeneDx
Classification: Pathogenic. Last evaluated: 2024-03-18. Review status: criteria provided, single submitter. Criteria: GeneDx Variant Classification Process June 2021. Collection method: clinical testing. Allele origin: germline. Affected: yes.
Comment: Canonical splice site variant predicted to result in a null allele in a gene for which loss of function is a known mechanism of disease; Not observed at significant frequency in large population cohorts (gnomAD); This variant is associated with the following publications: (PMID: 25525159, 21354044)

3billion
Classification: Pathogenic for Neurofibromatosis, type 1. Last evaluated: 2022-03-22. Review status: criteria provided, single submitter. Criteria: ACMG Guidelines, 2015. Collection method: clinical testing. Allele origin: germline. Affected: yes. Observed: 1 heterozygote.
Comment: Canonical splice site: predicted to alter splicing and result in a loss or disruption of normal protein function through nonsense-mediated decay (NMD) or protein truncation. Multiple pathogenic variants are reported downstream of the variant.It is not observed in the gnomAD v2.1.1 dataset. The variant has been reported at least twice as pathogenic/likely pathogenic with clinical assertions and evidence for the classification (ClinVar ID: VCV000404420). Therefore, this variant is classified as pathogenic according to the recommendation of ACMG/AMP guideline.

Genome-Nilou Lab
Classification: Pathogenic for Neurofibromatosis, type 1. Last evaluated: 2022-03-15. Review status: criteria provided, single submitter. Criteria: ACMG Guidelines, 2015. Collection method: clinical testing. Allele origin: germline. Affected: no.

Baylor Genetics
Classification: Pathogenic for Juvenile myelomonocytic leukemia. Last evaluated: 2021-04-30. Review status: criteria provided, single submitter. Criteria: ACMG Guidelines, 2015. Collection method: clinical testing. Allele origin: unknown.

Labcorp Genetics (formerly Invitae), Labcorp
Classification: Pathogenic for Neurofibromatosis, type 1. Last evaluated: 2020-01-17. Review status: criteria provided, single submitter. Criteria: Invitae Variant Classification Sherloc (09022015). Collection method: clinical testing. Allele origin: germline.
Comment: For these reasons, this variant has been classified as Pathogenic. Donor and acceptor splice site variants typically lead to a loss of protein function (PMID: 16199547), and loss-of-function variants in NF1 are known to be pathogenic (PMID: 10712197, 23913538). Algorithms developed to predict the effect of sequence changes on RNA splicing suggest that this variant may disrupt the consensus splice site, but this prediction has not been confirmed by published transcriptional studies. This variant has been observed in individual(s) with clinical features of neurofibromatosis type-1 (NF1) and/or NF1-Noonan syndrome (PMID: 21354044, Invitae). This variant is not present in population databases (ExAC no frequency). This sequence change affects a donor splice site in intron 6 of the NF1 gene. It is expected to disrupt RNA splicing and likely results in an absent or disrupted protein product.

Ambry Genetics
Classification: Likely pathogenic for Cardiovascular phenotype; Hereditary cancer-predisposing syndrome. Last evaluated: 2018-10-10. Review status: criteria provided, single submitter. Criteria: Ambry Variant Classification Scheme 2023. Collection method: clinical testing. Allele origin: germline.
Comment: The c.654+1G>T intronic variant results from a G to T substitution one nucleotide after coding exon 6 of the NF1 gene. This mutation has been identified in an individual meeting diagnostic criteria for neurofibromatosis type 1 (NF1); authors performed RNA studies, which reportedly showed that this variant causes exon 6 skipping and a resultant truncated protein (Valero MC et al. J Mol Diagn 2011 Mar;13(2):113-22). Using the BDGP and ESEfinder splice site prediction tools, this alteration is predicted to abolish the native splice donor site; however, direct evidence is unavailable. Using the BDGP and ESEfinder splice site prediction tools, this alteration is predicted to abolish the native splice donor site; however, direct evidence is unavailable. In addition to the published literature, alterations that disrupt the canonical splice site are expected to cause aberrant splicing, resulting in an abnormal protein or a transcript that is subject to nonsense-mediated mRNA decay. As such, this alteration is classified as likely pathogenic.

Literature cited by the submitters: PubMed 34427956 (cited by Variantyx, Inc.); PubMed 10712197 (cited by Variantyx, Inc. and Labcorp Genetics (formerly Invitae), Labcorp); PubMed 23913538 (cited by Variantyx, Inc. and Labcorp Genetics (formerly Invitae), Labcorp); PubMed 38226287 (cited by Variantyx, Inc.); PubMed 21354044 (cited by Variantyx, Inc. and Labcorp Genetics (formerly Invitae), Labcorp); PubMed 31617914 (cited by Variantyx, Inc.); PubMed 29957862 (cited by Variantyx, Inc.); PubMed 16199547 (cited by Labcorp Genetics (formerly Invitae), Labcorp).

NM_001042492.3(NF1):c.654+1G>T

Gene: NF1 (neurofibromin 1; plus strand). Cytogenetic location: 17q11.2.
Variant type: single nucleotide variant.
Coding change: c.654+1G>T on transcript NM_001042492.3 (MANE Select); the canonical splice donor site of the intron after coding-DNA position 654, G replaced by T.
Molecular consequence: splice donor variant.
Genome position (GRCh38, 1-based): chr17:31,181,490, G>T. VCF-style: chr17-31181490-G-T. GRCh37 (hg19) VCF-style: chr17-29508508-G-T.
Other names: c.654+1G>T (NM_000267.4, NM_001128147.3).
Identifiers: ClinVar variation 404420 (VCV000404420.14), dbSNP rs1060500245, ClinGen allele CA16615561.